The following is an entry in ClinVar:

ClinVar aggregate classification (germline): Uncertain significance. Review status: criteria provided, multiple submitters, no conflicts (2 of 4 stars). 2 submissions from 2 submitters: Uncertain significance (2). Last evaluated 2025-08-06.

Conditions:
SDCCAG8-related disorder. Also called: SDCCAG8-Related Disorders; SDCCAG8-related condition.

gnomAD v4.1: 6 of 1,588,370 alleles (0.00038%); highest among the groups gnomAD compares: Non-Finnish European, 0.00035%; no homozygotes.

Submissions (2):

PreventionGenetics, part of Exact Sciences
Classification: Uncertain significance for SDCCAG8-related condition. Last evaluated: 2025-08-06. Review status: criteria provided, single submitter. Criteria: ACMG Guidelines, 2015. Collection method: clinical testing. Allele origin: germline.
Comment: The SDCCAG8 c.1853+5G>T variant is predicted to interfere with splicing. This variant is predicted to alter splicing based on available splicing prediction software (SpliceAI, Jaganathan et al. 2019. PubMed ID: 30661751). However, the use of computer prediction software is not equivalent to functional evidence. To our knowledge, this variant has not been reported in the literature. This variant is reported in 0.0018% of alleles in individuals of European (Non-Finnish) descent in gnomAD. At this time, the clinical significance of this variant is uncertain due to the absence of conclusive functional and genetic evidence.

Blueprint Genetics
Classification: Uncertain significance. Last evaluated: 2021-11-22. Review status: criteria provided, single submitter. Criteria: ACMG Guidelines, 2015. Collection method: clinical testing. Allele origin: germline.

NM_006642.5(SDCCAG8):c.1853+5G>T

Gene: SDCCAG8 (SHH signaling and ciliogenesis regulator SDCCAG8; plus strand). Cytogenetic location: 1q43.
Variant type: single nucleotide variant.
Coding change: c.1853+5G>T on transcript NM_006642.5 (MANE Select); 5 bases into the intron after coding-DNA position 1853, G replaced by T.
Molecular consequence: intron variant.
Genome position (GRCh38, 1-based): chr1:243,418,081, G>T. VCF-style: chr1-243418081-G-T. GRCh37 (hg19) VCF-style: chr1-243581383-G-T.
Other names: c.1559+5G>T (NM_001350249.2); c.950+5G>T (NM_001350251.2, NM_001350246.2, NM_001350247.2); c.1949+5G>T (NM_001350248.2).
Identifiers: ClinVar variation 3349779 (VCV003349779.3).